The following is an entry in ClinVar:

ClinVar aggregate classification (germline): Conflicting classifications of pathogenicity. Review status: criteria provided, conflicting classifications (1 of 4 stars). 2 submissions from 2 submitters: Uncertain significance (1); Likely benign (1). Last evaluated 2025-03-24.

Allele frequency attached by ClinVar (database versions not stated): gnomAD exomes 0.00001; gnomAD 0.00004; ExAC 0.00006; TOPMed 0.00007.
gnomAD v4.1: 29 of 1,614,246 alleles (0.0018%); highest among the groups gnomAD compares: East Asian, 0.051%; no homozygotes.

Submissions (2):

GeneDx
Classification: Uncertain significance. Last evaluated: 2025-03-24. Review status: criteria provided, single submitter. Criteria: GeneDx Variant Classification Process June 2021. Collection method: clinical testing. Allele origin: germline. Affected: yes.
Comment: Has not been previously published as pathogenic or benign to our knowledge; In silico analysis indicates that this missense variant does not alter protein structure/function

Labcorp Genetics (formerly Invitae), Labcorp
Classification: Likely benign. Last evaluated: 2024-07-01. Review status: criteria provided, single submitter. Criteria: Invitae Variant Classification Sherloc (09022015). Collection method: clinical testing. Allele origin: germline.

NM_017547.4(FOXRED1):c.70G>C (p.Gly24Arg)

Genes: FOXRED1 (FAD dependent oxidoreductase domain containing 1; plus strand), LOC130007026 (ATAC-STARR-seq lymphoblastoid active region 5705; plus strand). Cytogenetic location: 11q24.2.
Variant type: single nucleotide variant.
Coding change: c.70G>C on transcript NM_017547.4 (MANE Select); coding-DNA position 70, G replaced by C.
Protein change: p.Gly24Arg; replaces glycine 24 with arginine.
Molecular consequence: missense variant. On other transcripts: non-coding transcript variant (2).
Genome position (GRCh38, 1-based): chr11:126,269,276, G>C. VCF-style: chr11-126269276-G-C. GRCh37 (hg19) VCF-style: chr11-126139171-G-C.
Other names: c.70G>C, p.Gly24Arg (NM_001425160.1, NM_001425161.1, NM_001425163.1 and 4 more transcripts); c.-344G>C (NM_001425168.1); c.-461G>C (NM_001425169.1); c.-658G>C (NM_001425170.1); c.-488G>C (NM_001425171.1); c.-267G>C (NM_001425172.1); c.-248G>C (NM_001425173.1); c.-469G>C (NM_001425174.1, NM_001425175.1); short protein forms G24R.
Identifiers: ClinVar variation 2797221 (VCV002797221.4), dbSNP rs746609914, ClinGen allele CA6353932.